The following is an entry in ClinVar:

NM_001041.4(SI):c.4691G>C (p.Arg1564Thr)

Gene: SI (sucrase-isomaltase; minus strand). Cytogenetic location: 3q26.1.
Variant type: single nucleotide variant.
Coding change: c.4691G>C on transcript NM_001041.4 (MANE Select); coding-DNA position 4691, G replaced by C.
Protein change: p.Arg1564Thr; replaces arginine 1564 with threonine.
Molecular consequence: missense variant.
Genome position (GRCh38, 1-based): chr3:164,996,536, C>G on the plus strand (G>C on the coding strand, the complement: SI is on the minus strand). VCF-style: chr3-164996536-C-G. GRCh37 (hg19) VCF-style: chr3-164714324-C-G.
Other names: short protein forms R1564T.
Identifiers: ClinVar variation 2080356 (VCV002080356.4), dbSNP rs1718018671, ClinGen allele CA355029395.

ClinVar aggregate classification (germline): Uncertain significance (1 of 4 stars; one submission).

Allele frequency attached by ClinVar (database versions not stated): gnomAD exomes below 0.00001; TOPMed below 0.00001.
gnomAD v4.1: 1 of 1,431,860 alleles (0.00007%); highest among the groups gnomAD compares: Non-Finnish European, 0.000099%; no homozygotes.

Submission:

Labcorp Genetics (formerly Invitae), Labcorp
Classification: Uncertain significance. Last evaluated: 2022-03-18. Review status: criteria provided, single submitter. Criteria: Invitae Variant Classification Sherloc (09022015). Collection method: clinical testing. Allele origin: germline.
Comment: This variant is not present in population databases (gnomAD no frequency). This sequence change replaces arginine, which is basic and polar, with threonine, which is neutral and polar, at codon 1564 of the SI protein (p.Arg1564Thr). This variant has not been reported in the literature in individuals affected with SI-related conditions. Algorithms developed to predict the effect of missense changes on protein structure and function are either unavailable or do not agree on the potential impact of this missense change (SIFT: "Tolerated"; PolyPhen-2: "Possibly Damaging"; Align-GVGD: "Class C0"). In summary, the available evidence is currently insufficient to determine the role of this variant in disease. Therefore, it has been classified as a Variant of Uncertain Significance.